The following is an entry in ClinVar:

NM_020975.6(RET):c.304G>A (p.Asp102Asn)

Gene: RET (ret proto-oncogene; plus strand). Cytogenetic location: 10q11.21.
Variant type: single nucleotide variant.
Coding change: c.304G>A on transcript NM_020975.6 (MANE Select); coding-DNA position 304, G replaced by A.
Protein change: p.Asp102Asn; replaces aspartic acid 102 with asparagine.
Molecular consequence: missense variant.
Genome position (GRCh38, 1-based): chr10:43,100,689, G>A. VCF-style: chr10-43100689-G-A. GRCh37 (hg19) VCF-style: chr10-43596137-G-A.
Other names: c.304G>A, p.Asp102Asn (NM_000323.2, NM_001406743.1, NM_001406744.1 and 34 more transcripts); short protein forms D102N.
Identifiers: ClinVar variation 135183 (VCV000135183.19), dbSNP rs201244749, ClinGen allele CA009176.

ClinVar aggregate classification (germline): Conflicting classifications of pathogenicity. Review status: criteria provided, conflicting classifications (1 of 4 stars). 8 submissions from 8 submitters: Uncertain significance (6); Benign (1). 1 of the submissions does not count toward it. Last evaluated 2026-09-01.

Conditions:
Pheochromocytoma. Also called: MAX-Related Hereditary Paraganglioma-Pheochromocytoma Syndrome. Identifiers: Orphanet 29072, MedGen C0031511, MONDO:0008233, OMIM 171300, HP:0002666.
Hirschsprung disease, susceptibility to, 1 (HSCR1). Also called: RET-Related Hirschsprung Disease. Identifiers: Orphanet 388, MedGen C3888239, MONDO:0007723, OMIM 142623.
Familial medullary thyroid carcinoma (MTC). Also called: Thyroid cancer, familial medullary; MTC, familial; Familial Medullary Thyroid Carcinoma (FMTC). Identifiers: Orphanet 653, Orphanet 99361, MedGen C1833921, MONDO:0007958, OMIM 155240.
Multiple endocrine neoplasia type 2B. Also called: MEN IIB; NEUROMATA, MUCOSAL, WITH ENDOCRINE TUMORS; WAGENMANN-FROBOESE SYNDROME; MULTIPLE ENDOCRINE NEOPLASIA, TYPE III; MULTIPLE ENDOCRINE NEOPLASIA, TYPE IIB; MEN 2B. Identifiers: Orphanet 247709, Orphanet 653, MedGen C0025269, MeSH D018814, MONDO:0008082, OMIM 162300.
Multiple endocrine neoplasia type 2A. Also called: Multiple Endocrine Neoplasia Type 2A (MEN2A); MULTIPLE ENDOCRINE NEOPLASIA, TYPE IIA; PTC SYNDROME; SIPPLE SYNDROME; MEN 2A; MEN-2A syndrome. Identifiers: Orphanet 247698, Orphanet 653, MedGen C0025268, MeSH D018813, MONDO:0008234, OMIM 171400.
RET-related disorder. Also called: RET-related disorders; RET-related condition; RET-related disease.
Hereditary cancer-predisposing syndrome. Also called: Tumor predisposition; Hereditary neoplastic syndrome; Hereditary Cancer Syndrome; Neoplastic Syndromes, Hereditary. Identifiers: Orphanet 140162, MedGen C0027672, MeSH D009386, MONDO:0015356.
Multiple endocrine neoplasia, type 2 (MEN2). Identifiers: Orphanet 653, MedGen C4048306, MONDO:0019003. Disease mechanism: gain of function.

Allele frequency attached by ClinVar (database versions not stated): gnomAD 0.00002 and 0.00004; gnomAD exomes 0.00006 and 0.00003; 1000 Genomes Project 0.00040; 1000 Genomes Project 30x 0.00031; TOPMed 0.00003; ExAC 0.00011; ESP Exome Variant Server 0.00008.
gnomAD v4.1: 47 of 1,608,114 alleles (0.0029%); highest among the groups gnomAD compares: African/African-American, 0.017%; no homozygotes.

Submissions (8):

CeGaT Center for Human Genetics Tuebingen
Classification: Uncertain significance. Last evaluated: 2026-09-01. Review status: criteria provided, single submitter. Criteria: CeGaT Center For Human Genetics Tuebingen Variant Classification Criteria Version 2. Collection method: clinical testing. Allele origin: germline. Affected: yes. Observed: 1 variant allele.

Labcorp Genetics (formerly Invitae), Labcorp
Classification: Uncertain significance for Multiple endocrine neoplasia, type 2. Last evaluated: 2026-01-21. Review status: criteria provided, single submitter. Criteria: Invitae Variant Classification Sherloc (09022015). Collection method: clinical testing. Allele origin: germline.
Comment: This sequence change replaces aspartic acid, which is acidic and polar, with asparagine, which is neutral and polar, at codon 102 of the RET protein (p.Asp102Asn). This variant is present in population databases (rs201244749, gnomAD 0.02%). This variant has not been reported in the literature in individuals affected with RET-related conditions. ClinVar contains an entry for this variant (Variation ID: 135183). An algorithm developed to predict the effect of missense changes on protein structure and function outputs the following: PolyPhen-2: "Probably Damaging". The asparagine amino acid residue is found in multiple mammalian species, which suggests that this missense change does not adversely affect protein function. In summary, the available evidence is currently insufficient to determine the role of this variant in disease. Therefore, it has been classified as a Variant of Uncertain Significance.

Color Diagnostics, LLC DBA Color Health
Classification: Uncertain significance for Multiple endocrine neoplasia, type 2. Last evaluated: 2025-05-27. Review status: criteria provided, single submitter. Criteria: ACMG Guidelines, 2015. Collection method: clinical testing. Allele origin: germline.
Comment: This missense variant replaces aspartic acid with asparagine at codon 102 of the RET protein. Computational prediction suggests that this variant may not impact protein structure and function. To our knowledge, functional studies have not been reported for this variant. This variant has not been reported in individuals affected with RET-related disorders in the literature and it has been reported in two healthy individuals (PMID: 24728327). This variant has been identified in 13/236190 chromosomes in the general population by the Genome Aggregation Database (gnomAD). The available evidence is insufficient to determine the role of this variant in disease conclusively. Therefore, this variant is classified as a Variant of Uncertain Significance.

Blueprint Genetics
Classification: Uncertain significance. Last evaluated: 2024-10-16. Review status: criteria provided, single submitter. Criteria: ACMG Guidelines, 2015. Collection method: clinical testing. Allele origin: germline.

PreventionGenetics, part of Exact Sciences
Classification: Uncertain significance for RET-related condition. Last evaluated: 2023-04-20. Review status: criteria provided, single submitter. Criteria: ACMG Guidelines, 2015. Collection method: clinical testing. Allele origin: germline.
Comment: The RET c.304G>A variant is predicted to result in the amino acid substitution p.Asp102Asn. This variant has been reported in individuals from a healthy, ancestrally diverse genome sequencing cohort (Table S1, Bodian et al. 2014. PubMed ID: 24728327). In silico tools predict this variant to be tolerated (Table S1, George Priya Doss et al. 2014. PubMed ID: 24336963; Table 1, Heineman et al . 2015. PubMed ID: 25733075). This variant is reported in 0.017% of alleles in individuals of South Asian descent in gnomAD and has conflicting interpretations of benign and uncertain significance in ClinVar. Although we suspect this variant may be benign, at this time, the clinical significance of this variant is uncertain due to the absence of conclusive functional and genetic evidence.

Ambry Genetics
Classification: Benign for Hereditary cancer-predisposing syndrome. Last evaluated: 2023-02-02. Review status: criteria provided, single submitter. Criteria: Ambry Variant Classification Scheme 2023. Collection method: clinical testing. Allele origin: germline.

Fulgent Genetics
Classification: Uncertain significance for Hirschsprung disease, susceptibility to, 1; Familial medullary thyroid carcinoma; Multiple endocrine neoplasia type 2B; Pheochromocytoma; Multiple endocrine neoplasia type 2A. Last evaluated: 2022-02-12. Review status: criteria provided, single submitter. Criteria: ACMG Guidelines, 2015. Collection method: clinical testing. Allele origin: unknown.

ITMI
No classification provided. Condition: AllHighlyPenetrant. Last evaluated: 2013-09-19. Review status: no classification provided. Collection method: reference population. Allele origin: germline. Not counted in ClinVar's aggregate classification.
Comment: Please see associated publication for description of ethnicities

Literature cited by the submitters: PubMed 24728327 (cited by 3 submitters); PubMed 24336963 (cited by Ambry Genetics); PubMed 25733075 (cited by Ambry Genetics); PubMed 26343384 (cited by Ambry Genetics).